The following is an entry in ClinVar:

ClinVar aggregate classification (germline): Conflicting classifications of pathogenicity. Review status: criteria provided, conflicting classifications (1 of 4 stars). 8 submissions from 8 submitters: Uncertain significance (3); Likely benign (5). Last evaluated 2026-04-07.

Conditions:
Inborn genetic diseases. Identifiers: MedGen C0950123, MeSH D030342.
Charcot-Marie-Tooth disease axonal type 2P. Also called: CHARCOT-MARIE-TOOTH NEUROPATHY, TYPE 2P; Charcot-Marie-Tooth Neuropathy Type 2G; CHARCOT-MARIE-TOOTH DISEASE, AXONAL, TYPE 2G; CMT 2G. Identifiers: Orphanet 300319, Orphanet 99941, MedGen C3280797, MONDO:0013753, OMIM 614436.
LRSAM1-related disorder. Also called: LRSAM1-related condition.

Allele frequency attached by ClinVar (database versions not stated): gnomAD 0.00035 and 0.00037; ExAC 0.00040; gnomAD exomes 0.00041 and 0.00058; TOPMed 0.00045; 1000 Genomes Project 30x 0.00016; 1000 Genomes Project 0.00020; ESP Exome Variant Server 0.00031.

Submissions (8):

PreventionGenetics, part of Exact Sciences
Classification: Likely benign for LRSAM1-related condition. Last evaluated: 2026-04-07. Review status: criteria provided, single submitter. Criteria: ACMG Guidelines, 2015. Collection method: clinical testing. Allele origin: germline.
Comment: This variant is classified as likely benign based on ACMG/AMP sequence variant interpretation guidelines (Richards et al. 2015 PMID: 25741868, with internal and published modifications).

Labcorp Genetics (formerly Invitae), Labcorp
Classification: Likely benign for Charcot-Marie-Tooth disease axonal type 2P. Last evaluated: 2026-01-15. Review status: criteria provided, single submitter. Criteria: Invitae Variant Classification Sherloc (09022015). Collection method: clinical testing. Allele origin: germline.

Women's Health and Genetics/Laboratory Corporation of America, LabCorp
Classification: Likely benign. Last evaluated: 2025-11-05. Review status: criteria provided, single submitter. Criteria: LabCorp Variant Classification Summary - May 2015. Collection method: clinical testing. Allele origin: germline.
Comment: Variant summary: LRSAM1 c.2111G>A (p.Arg704His) results in a non-conservative amino acid change in the encoded protein sequence. Algorithms developed to predict the effect of missense changes on protein structure and function are either unavailable or do not agree on the potential impact of this missense change. The variant allele was found at a frequency of 0.00041 in 245142 control chromosomes, predominantly at a frequency of 0.0014 within the Latino subpopulation in the gnomAD database. The observed variant frequency within Latino control individuals in the gnomAD database exceeds the estimated maximal expected allele frequency for disease-causing variants in LRSAM1. To our knowledge, no occurrence of c.2111G>A in individuals affected with LRSAM1-related conditions and no experimental evidence demonstrating its impact on protein function have been reported. ClinVar contains an entry for this variant (Variation ID: 472800). Based on the evidence outlined above, the variant was classified as likely benign.

CeGaT Center for Human Genetics Tuebingen
Classification: Uncertain significance. Last evaluated: 2025-09-01. Review status: criteria provided, single submitter. Criteria: CeGaT Center For Human Genetics Tuebingen Variant Classification Criteria Version 2. Collection method: clinical testing. Allele origin: germline. Affected: yes. Observed: 2 variant alleles.
Comment: LRSAM1: PM2, BP4

Ambry Genetics
Classification: Uncertain significance for Inborn genetic diseases. Last evaluated: 2021-09-28. Review status: criteria provided, single submitter. Criteria: Ambry Variant Classification Scheme 2023. Collection method: clinical testing. Allele origin: germline.
Comment: Unlikely to be causative of LRSAM1-related Charcot-Marie-Tooth disease, type 2 (AD) Based on insufficient or conflicting evidence, the clinical significance of this alteration remains unclear.

GeneDx
Classification: Likely benign. Last evaluated: 2020-03-04. Review status: criteria provided, single submitter. Criteria: GeneDx Variant Classification Process June 2021. Collection method: clinical testing. Allele origin: germline. Affected: yes.

Mayo Clinic Laboratories, Mayo Clinic
Classification: Uncertain significance. Last evaluated: 2019-07-28. Review status: criteria provided, single submitter. Criteria: ACMG Guidelines, 2015. Collection method: clinical testing. Allele origin: germline. Observed: 1 variant allele.

Illumina Laboratory Services, Illumina
Classification: Likely benign for Charcot-Marie-Tooth disease axonal type 2P. Last evaluated: 2018-01-13. Review status: criteria provided, single submitter. Criteria: ICSL Variant Classification Criteria 13 December 2019. Collection method: clinical testing. Allele origin: germline.
Comment: This variant was observed in the ICSL laboratory as part of a predisposition screen in an ostensibly healthy population. It had not been previously curated by ICSL or reported in the Human Gene Mutation Database (HGMD: prior to June 1st, 2018), and was therefore a candidate for classification through an automated scoring system. Utilizing variant allele frequency, disease prevalence and penetrance estimates, and inheritance mode, an automated score was calculated to assess if this variant is too frequent to cause the disease. Based on the score and internal cut-off values, a variant classified as likely benign is not then subjected to further curation. The score for this variant resulted in a classification of likely benign for this disease.

NM_001005373.4(LRSAM1):c.2111G>A (p.Arg704His)

Gene: LRSAM1 (leucine rich repeat and sterile alpha motif containing 1; plus strand). Cytogenetic location: 9q34.11.
Variant type: single nucleotide variant.
Coding change: c.2111G>A on transcript NM_001005373.4 (MANE Select); coding-DNA position 2111, G replaced by A.
Protein change: p.Arg704His; replaces arginine 704 with histidine.
Molecular consequence: missense variant. On other transcripts: non-coding transcript variant (2).
Genome position (GRCh38, 1-based): chr9:127,502,838, G>A. VCF-style: chr9-127502838-G-A. GRCh37 (hg19) VCF-style: chr9-130265117-G-A.
Other names: c.2111G>A (NM_138361.4); c.2111G>A, p.Arg704His (NM_001005374.4, NM_001384142.1, NM_138361.5); c.2030G>A, p.Arg677His (NM_001190723.3); c.2012G>A, p.Arg671His (NM_001384143.1); c.1322G>A, p.Arg441His (NM_001384144.1); short protein forms R704H, R677H, R441H, R671H.
Identifiers: ClinVar variation 472800 (VCV000472800.39), dbSNP rs140808447, ClinGen allele CA5247265.
Genomic context (GRCh38, chr9:127,502,838, plus strand): 5'-AGATGATCTTCCTCAACTGTGGCCACGTCTGCTGCTGCCAGCAGTGCTGCCAGCCACTGC[G>A]CACCTGCCCGCTGTGCCGCCAGGACATCGCCCAGCGCCTCCGCATCTACCACAGCAGCTG-3'
Protein context (NP_001005373.1, residues 694-714): CCCQQCCQPL[Arg704His]TCPLCRQDIA